The following is an entry in ClinVar:

NM_000257.4(MYH7):c.2502C>G (p.Phe834Leu)

Genes: MYH7 (myosin heavy chain 7; minus strand), LOC126861898 (BRD4-independent group 4 enhancer GRCh37_chr14:23893609-23894808; plus strand). Cytogenetic location: 14q11.2.
Variant type: single nucleotide variant.
Coding change: c.2502C>G on transcript NM_000257.4 (MANE Select); coding-DNA position 2502, C replaced by G.
Protein change: p.Phe834Leu; replaces phenylalanine 834 with leucine.
Molecular consequence: missense variant.
Genome position (GRCh38, 1-based): chr14:23,424,946, G>C on the plus strand (C>G on the coding strand, the complement: MYH7 is on the minus strand). VCF-style: chr14-23424946-G-C. GRCh37 (hg19) VCF-style: chr14-23894155-G-C.
Other names: short protein forms F834L.
Identifiers: ClinVar variation 42909 (VCV000042909.8), dbSNP rs397516152, ClinGen allele CA012501.
Genomic context (GRCh38, chr14:23,424,946, plus strand): 5'-CTCCTTCATGGAGGCCATCTCCTTCTCTCTTTCTGCACTCTTCAGCAGCGGCTTGATCTT[G>C]AAGTAGAGCTTCATCCAGGGCCAATTCTTGACCCCCATGAAGGCCCGAATGTTCCACTGG-3'
Protein context (NP_000248.2, residues 824-844): VKNWPWMKLY[Phe834Leu]KIKPLLKSAE

ClinVar aggregate classification (germline): Uncertain significance. Review status: criteria provided, multiple submitters, no conflicts (2 of 4 stars). 2 submissions from 2 submitters: Uncertain significance (2). Last evaluated 2025-01-15.

Conditions:
Hypertrophic cardiomyopathy. Also called: HYPERTROPHIC MYOCARDIOPATHY. Identifiers: Orphanet 217569, MedGen C0007194, MeSH D002312, MONDO:0005045, HP:0001639.

Submissions (2):

Labcorp Genetics (formerly Invitae), Labcorp
Classification: Uncertain significance for Hypertrophic cardiomyopathy. Last evaluated: 2025-01-15. Review status: criteria provided, single submitter. Criteria: Invitae Variant Classification Sherloc (09022015). Collection method: clinical testing. Allele origin: germline.
Comment: This sequence change replaces phenylalanine, which is neutral and non-polar, with leucine, which is neutral and non-polar, at codon 834 of the MYH7 protein (p.Phe834Leu). This variant is not present in population databases (gnomAD no frequency). This missense change has been observed in individual(s) with hypertrophic cardiomyopathy (PMID: 25611685, 37652022; internal data). ClinVar contains an entry for this variant (Variation ID: 42909). Invitae Evidence Modeling of protein sequence and biophysical properties (such as structural, functional, and spatial information, amino acid conservation, physicochemical variation, residue mobility, and thermodynamic stability) indicates that this missense variant is expected to disrupt MYH7 protein function with a positive predictive value of 95%. In summary, the available evidence is currently insufficient to determine the role of this variant in disease. Therefore, it has been classified as a Variant of Uncertain Significance.

Laboratory for Molecular Medicine, Mass General Brigham Personalized Medicine
Classification: Uncertain significance for Hypertrophic cardiomyopathy. Last evaluated: 2024-02-27. Review status: criteria provided, single submitter. Criteria: ACMG Guidelines, 2015. Collection method: clinical testing. Allele origin: germline. Inheritance: Autosomal dominant inheritance.
Comment: It was absent from large population studies. Computational prediction tools and conservation analyses suggest that this variant may impact the protein, though this information is not predictive enough to determine pathogenicity. This variant lies in the head region of the protein and missense variants in this region are statistically more likely to be disease-associated (Walsh 2017 PMID: 27532257). In summary, while there is some suspicion for a pathogenic role, the clinical significance of this variant is uncertain. ACMG/AMP Criteria applied: PM1, PM6_Supporting, PM2_Supporting, PP3.

Literature cited by the submitters: PubMed 25611685 (cited by Labcorp Genetics (formerly Invitae), Labcorp); PubMed 37652022 (cited by Labcorp Genetics (formerly Invitae), Labcorp).